The following is an entry in ClinVar:

NM_000540.3(RYR1):c.4711A>G (p.Ile1571Val)

Gene: RYR1 (ryanodine receptor 1; plus strand). Cytogenetic location: 19q13.2.
Variant type: single nucleotide variant.
Coding change: c.4711A>G on transcript NM_000540.3 (MANE Select); coding-DNA position 4711, A replaced by G.
Protein change: p.Ile1571Val; replaces isoleucine 1571 with valine.
Molecular consequence: missense variant.
Genome position (GRCh38, 1-based): chr19:38,483,293, A>G. VCF-style: chr19-38483293-A-G. GRCh37 (hg19) VCF-style: chr19-38973933-A-G.
Other names: NM_000540.3(RYR1):c.4711A>G; c.4711A>G, p.Ile1571Val (NM_001042723.2); short protein forms I1571V.
Identifiers: ClinVar variation 159851 (VCV000159851.84), dbSNP rs146429605, ClinGen allele CA024455.
Genomic context (GRCh38, chr19:38,483,293, plus strand): 5'-TGTGGTGGGACAGAGGGGGCTGGCCATCTTGACCCATGTGTGTCTCTCTGCCCTCAGAAC[A>G]TCATGCCGTTGTCAGCCGCCATGTTCCAAAGCGAGCGCAAGAACCCGGCCCCGCAGTGCC-3'
Protein context (NP_000531.2, residues 1561-1581): IQFELGKQKN[Ile1571Val]MPLSAAMFQS

ClinVar aggregate classification (germline): Likely benign. Review status: reviewed by expert panel (3 of 4 stars). 28 submissions from 28 submitters: Likely benign (1). 27 of the submissions do not count toward it. Last evaluated 2021-03-18.

Conditions:
RYR1-related disorder. Also called: RYR1-related disorders; RYR1-related condition. Identifiers: MedGen CN239331.
RYR1-related myopathy. Identifiers: Orphanet 98742, MedGen CN305348, MONDO:0100150.
Anterior segment dysgenesis 7 (ASGD7). Also called: Anterior segment dysgenesis 7, with sclerocornea; SCLEROCORNEA WITH OTHER OCULAR ANOMALIES. Identifiers: Orphanet 289499, MedGen C3151617, MONDO:0010015, OMIM 269400.
Malignant hyperthermia, susceptibility to, 1 (MHS1). Also called: Malignant hyperthermia suceptibility 1; Anesthesia related hyperthermia; Malignant hyperpyrexia; Fulminating hyperpyrexia; Pharmacogenic myopathy; RYR1-Related Malignant Hyperthermia Susceptibility. Identifiers: Orphanet 423, MedGen C2930980, MONDO:0007783, OMIM 145600.
Congenital multicore myopathy with external ophthalmoplegia (CMYO1B). Also called: MULTIMINICORE DISEASE WITH EXTERNAL OPHTHALMOPLEGIA; Congenital myopathy 1B, autosomal recessive; Minicore myopathy; MULTICORE MYOPATHY; Minicore myopathy with external ophthalmoplegia. Identifiers: Orphanet 598, Orphanet 98905, MedGen C1850674, MONDO:0009712, OMIM 255320, HP:0003789.
Congenital myopathy with fiber type disproportion. Also called: Congenital fiber-type disproportion myopathy; Congenital fiber-type disproportion. Identifiers: Orphanet 2020, MedGen C0546264, MONDO:0009711. Inheritance: all.
Central core myopathy (CMYO1A). Also called: CONGENITAL MYOPATHY 1A, AUTOSOMAL DOMINANT, WITH SUSCEPTIBILITY TO MALIGNANT HYPERTHERMIA; Central core disease; Myopathy, central fibrillar. Identifiers: Orphanet 597, MedGen C5830701, MONDO:0007294, OMIM 117000.

Allele frequency attached by ClinVar (database versions not stated): gnomAD 0.00110 and 0.00107; 1000 Genomes Project 30x 0.00172; 1000 Genomes Project 0.00220; ESP Exome Variant Server 0.00093; TOPMed 0.00105; gnomAD exomes 0.00090; ExAC 0.00134.
gnomAD v4.1: 1,871 of 1,560,442 alleles (0.12%); highest among the groups gnomAD compares: Middle Eastern, 0.17%; 4 homozygotes.

Submissions 1 to 8 of 28:

ClinGen Malignant Hyperthermia Susceptibility Variant Curation Expert Panel, ClinGen
Classification: Likely benign for Malignant hyperthermia, susceptibility to, 1. Last evaluated: 2021-03-18. Review status: reviewed by expert panel. Criteria: ClinGen MHS ACMG Specifications V1. Collection method: curation. Allele origin: germline. Inheritance: Autosomal dominant inheritance. Study: ClinGen.
Comment: This pathogenicity assessment is relevant only for malignant hyperthermia susceptibility (MHS) inherited in an autosomal dominant pattern. Variants in RYR1 can also cause other myopathies inherited in an autosomal dominant pattern or in an autosomal recessive pattern. Some of these disorders may predispose individuals to malignant hyperthermia. RYR1 variants may also contribute to a malignant hyperthermia reaction in combination with other genetic and non-genetic factors and the clinician needs to consider such factors in making management decisions. This sequence variant predicts a substitution of Isoleucine with Valine at codon 1571 of the RYR1 protein, p.(Ile1571Val). The maximum allele frequency for this variant among the six major gnomAD populations is NFE: 0.0014, this is considered to be more common than expected for a pathogenic variant causing autosomal dominantly inherited MHS, BS1. This variant has been reported in five unrelated individuals who have a personal or family history of a malignant hyperthermia reaction, all of these individuals had a positive in vitro contracture test (IVCT) or caffeine halothane contracture test (CHCT) result (if the proband was unavailable for testing, a positive diagnostic test result in a mutation-positive relative was counted), (PMID:25958340, PMID:20681998, PMID:25658027, PMID:25735680). However, the high MAF in the NFE population in gnomAD precludes the use of PS4. No functional studies were identified for this variant. This variant does not reside in a hotspot for pathogenic variants that contribute to MHS. A REVEL score of 0.56 supports neither a pathogenic nor a benign status for this variant. Based on using Bayes to combine criteria this variant is assessed as Likely Benign, (PMID: 29300386). Criteria implemented: BS1.

Labcorp Genetics (formerly Invitae), Labcorp
Classification: Uncertain significance for RYR1-related disorder. Last evaluated: 2026-02-02. Review status: criteria provided, single submitter. Criteria: Invitae Variant Classification Sherloc (09022015). Collection method: clinical testing. Allele origin: germline. Not counted in ClinVar's aggregate classification.
Comment: This sequence change replaces isoleucine, which is neutral and non-polar, with valine, which is neutral and non-polar, at codon 1571 of the RYR1 protein (p.Ile1571Val). This variant is present in population databases (rs146429605, gnomAD 0.1%), and has an allele count higher than expected for a pathogenic variant. Three missense variants, p.Ile1571Val, p.Arg3366His, and p.Tyr3933Cys, which includes this variant (p.Ile1571Val), have been reported together in multiple individuals and families affected with RYR1-related disorders including malignant hyperthermia (MH) syndrome, congenital myopathy, central core disease (CCD), and multi minicore disease (MmD). In some cases, the phase of the three variants along with additional RYR1 variants was established, while in other cases it could not be determined. It is therefore unclear if one of the three variants or the additive effect of some or all of these mutations are causative for the RYR1-associated diseases in reported individuals (PMID: 25958340, 25735680, 25214167, 24950660, 25960145, 25658027, 22473935, 20681998, 28259615, 30611313). ClinVar contains an entry for this variant (Variation ID: 159851). Invitae Evidence Modeling of protein sequence and biophysical properties (such as structural, functional, and spatial information, amino acid conservation, physicochemical variation, residue mobility, and thermodynamic stability) indicates that this missense variant is not expected to disrupt RYR1 protein function with a negative predictive value of 80%. In summary, the available evidence is currently insufficient to determine the role of this variant in disease. Therefore, it has been classified as a Variant of Uncertain Significance.

CeGaT Center for Human Genetics Tuebingen
Classification: Uncertain significance. Last evaluated: 2025-09-01. Review status: criteria provided, single submitter. Criteria: CeGaT Center For Human Genetics Tuebingen Variant Classification Criteria Version 2. Collection method: clinical testing. Allele origin: germline. Affected: yes. Observed: 12 variant alleles. Not counted in ClinVar's aggregate classification.
Comment: RYR1: PM3:Strong, PM2:Supporting, PP3, BS2

3billion
Classification: Uncertain significance for RYR1-related disorder. Last evaluated: 2025-07-07. Review status: criteria provided, single submitter. Criteria: ACMG Guidelines, 2015. Collection method: clinical testing. Allele origin: germline. Affected: yes. Not counted in ClinVar's aggregate classification.
Comment: The variant is observed at an extremely low frequency in the gnomAD v4.1.0 dataset (total allele frequency: 0.120%). Predicted Consequence/Location: Missense variant Damaging effect on gene or gene product predicted by in silico programs is uncertain [REVEL: 0.56 (>=0.6, sensitivity 0.68 and specificity 0.92)) or 3Cnet: 0.65 (> 0.75, sensitivity 0.96 and precision 0.92)]. The variant has been reported at least twice as benign with clinical assertions and evidence for the classification (ClinVar ID: VCV000159851). Therefore, this variant is classified as VUS according to the recommendation of ACMG/AMP guideline.

Women's Health and Genetics/Laboratory Corporation of America, LabCorp
Classification: Uncertain significance. Last evaluated: 2025-05-05. Review status: criteria provided, single submitter. Criteria: LabCorp Variant Classification Summary - May 2015. Collection method: clinical testing. Allele origin: germline. Not counted in ClinVar's aggregate classification.
Comment: Variant summary: RYR1 c.4711A>G (p.Ile1571Val) results in a conservative amino acid change in the encoded protein sequence. Algorithms developed to predict the effect of missense changes on protein structure and function are either unavailable or do not agree on the potential impact of this missense change. The variant allele was found at a frequency of 0.0009 in 167524 control chromosomes. This frequency is not significantly higher than estimated for a pathogenic variant in RYR1 causing Myopathy, RYR1-Associated, allowing no conclusion about variant significance. c.4711A>G has been reported in the literature in cis with c.10097G>A and c.11798A>G in individuals affected with RYR1-Associated Myopathy (malignant hyperthermia (MH), congenital myopathy, central core disease (CCD), and multi minicore disease (MmD) (examples: Rocha_2014, Savarese_2014, Fiszer_2015, Snoeck_2015, Gillies_2015, Kraeva_2015, Garibaldi_2019, Granger_ 2023, Sarkozy_2023)). It is unclear if one of the three variants or the combined effect of these mutations are causative for the RYR1-associated diseases in reported individuals. To our knowledge, no experimental evidence demonstrating an impact on protein function has been reported. The following publications have been ascertained in the context of this evaluation (PMID: 25658027, 30611313, 25735680, 36628841, 25958340, 24950660, 37643885, 25214167, 25960145). ClinVar contains an entry for this variant (Variation ID: 159851). Based on the evidence outlined above, the variant was classified as uncertain significance.

Laboratory of Genetics, Children's Clinical University Hospital Latvia
Classification: Likely benign. Last evaluated: 2025-02-16. Review status: criteria provided, single submitter. Criteria: ACMG Guidelines, 2015. Collection method: clinical testing. Allele origin: germline. Affected: yes. Not counted in ClinVar's aggregate classification.

Revvity Omics, Revvity
Classification: Uncertain significance. Last evaluated: 2024-12-15. Review status: criteria provided, single submitter. Criteria: ACMG Guidelines, 2015. Collection method: clinical testing. Allele origin: germline. Not counted in ClinVar's aggregate classification.

Athena Diagnostics
Classification: Uncertain significance. Last evaluated: 2024-12-13. Review status: criteria provided, single submitter. Criteria: Athena Diagnostics Criteria. Collection method: clinical testing. Allele origin: unknown. Not counted in ClinVar's aggregate classification.